The following is an entry in ClinVar:

NM_001042492.3(NF1):c.971G>T (p.Cys324Phe)

Gene: NF1 (neurofibromin 1; plus strand). Cytogenetic location: 17q11.2.
Variant type: single nucleotide variant.
Coding change: c.971G>T on transcript NM_001042492.3 (MANE Select); coding-DNA position 971, G replaced by T.
Protein change: p.Cys324Phe; replaces cysteine 324 with phenylalanine.
Molecular consequence: missense variant.
Genome position (GRCh38, 1-based): chr17:31,200,504, G>T. VCF-style: chr17-31200504-G-T. GRCh37 (hg19) VCF-style: chr17-29527522-G-T.
Other names: c.971G>T, p.Cys324Phe (NM_000267.4, NM_001128147.3); short protein forms C324F.
Identifiers: ClinVar variation 1767979 (VCV001767979.2), dbSNP rs778890596, ClinGen allele CA398995990.
Genomic context (GRCh38, chr17:31,200,504, plus strand): 5'-GAAAAGCTCTTGCTGGCCATGGAGGAAGTAGGCAGCTGACAGAAAGTGCTGCAATTGCCT[G>T]TGTCAAACTGTGTAAAGCAAGTACTTACATCAATTGGGAAGATAACTCTGTCATTTTCCT-3'
Protein context (NP_001035957.1, residues 314-334): RQLTESAAIA[Cys324Phe]VKLCKASTYI

ClinVar aggregate classification (germline): Uncertain significance (1 of 4 stars; one submission).

Conditions:
Cardiovascular phenotype. Identifiers: MedGen CN230736.
Hereditary cancer-predisposing syndrome. Also called: Hereditary Cancer Syndrome; Hereditary neoplastic syndrome; Neoplastic Syndromes, Hereditary; Tumor predisposition. Identifiers: Orphanet 140162, MedGen C0027672, MeSH D009386, MONDO:0015356.

Allele frequency attached by ClinVar (database versions not stated): TOPMed below 0.00001.

Submission:

Ambry Genetics
Classification: Uncertain significance for Cardiovascular phenotype; Hereditary cancer-predisposing syndrome. Last evaluated: 2022-01-10. Review status: criteria provided, single submitter. Criteria: Ambry Variant Classification Scheme 2023. Collection method: clinical testing. Allele origin: germline.
Comment: The p.C324F variant (also known as c.971G>T), located in coding exon 9 of the NF1 gene, results from a G to T substitution at nucleotide position 971. The cysteine at codon 324 is replaced by phenylalanine, an amino acid with highly dissimilar properties. This amino acid position is highly conserved in available vertebrate species. In addition, this alteration is predicted to be deleterious by in silico analysis. Since supporting evidence is limited at this time, the clinical significance of this alteration remains unclear.